The following is an entry in ClinVar:

NM_007294.4(BRCA1):c.1255del (p.Glu418_Val419insTer)

Gene: BRCA1 (BRCA1 DNA repair associated; minus strand). Cytogenetic location: 17q21.31.
Variant type: Deletion.
Coding change: c.1255del on transcript NM_007294.4 (MANE Select); coding-DNA position 1255, one base deleted (G; older notation c.1255delG).
Protein change: p.Glu418_Val419insTer.
Molecular consequence: nonsense. On other transcripts: frameshift variant (1), intron variant (137).
Genome position (GRCh38, 1-based): chr17:43,094,276, C deleted on the plus strand (G on the coding strand, the reverse complement: BRCA1 is on the minus strand); the first of 2 consecutive C bases (chr17:43,094,276-43,094,277); deleting either gives the same sequence. VCF-style (leftmost placement, unchanged base first): chr17-43094275-AC-A. GRCh37 (hg19) VCF-style: chr17-41246292-AC-A.
Other names: 1374delG; c.1255delG (NM_007294.3); c.577+468del (NM_001408481.1, NM_001408480.1, NM_001408492.1 and 9 more transcripts); c.778+468del (NM_001408408.1); c.661+468del (NM_001408446.1, NM_001408435.1, NM_001408448.1 and 6 more transcripts); c.784+468del (NM_001408401.1, NM_001408396.1, NM_001407985.1 and 13 more transcripts); c.548-3244del (NM_001408494.1); c.664+468del (NM_001408444.1, NM_001408438.1, NM_001408430.1 and 12 more transcripts); and 42 more.
Identifiers: ClinVar variation 54177 (VCV000054177.22), dbSNP rs80357535, ClinGen allele CA000827.

ClinVar aggregate classification (germline): Pathogenic. Review status: reviewed by expert panel (3 of 4 stars). 7 submissions from 7 submitters: Pathogenic (1). 6 of the submissions do not count toward it. Last evaluated 2016-09-08.

Conditions:
Hereditary cancer-predisposing syndrome. Also called: Tumor predisposition; Neoplastic Syndromes, Hereditary; Hereditary Cancer Syndrome; Hereditary neoplastic syndrome. Identifiers: Orphanet 140162, MedGen C0027672, MeSH D009386, MONDO:0015356.
Hereditary breast ovarian cancer syndrome. Also called: Hereditary breast and ovarian cancer syndrome (HBOC); Hereditary breast and ovarian cancer syndrome; Hereditary breast and ovarian cancer; Hereditary breast and/or ovarian cancer syndrome; Breast and ovarian cancer; BRCA1- and BRCA2-Associated Hereditary Breast and Ovarian Cancer. Identifiers: Orphanet 145, MedGen C0677776, MeSH D061325, MONDO:0003582. Disease mechanism: loss of function.
Breast-ovarian cancer, familial, susceptibility to, 1 (BROVCA1). Also called: OVARIAN CANCER, SUSCEPTIBILITY TO; BRCA1 Hereditary Breast and Ovarian Cancer. Identifiers: Orphanet 145, MedGen C2676676, MONDO:0011450, OMIM 604370. Disease mechanism: loss of function.

Submissions (7):

Evidence-based Network for the Interpretation of Germline Mutant Alleles (ENIGMA)
Classification: Pathogenic for Breast-ovarian cancer, familial, susceptibility to, 1. Last evaluated: 2016-09-08. Review status: reviewed by expert panel. Criteria: ENIGMA BRCA1/2 Classification Criteria (2015). Collection method: curation. Allele origin: germline.
Comment: Variant allele predicted to encode a truncated non-functional protein.

Ambry Genetics
Classification: Pathogenic for Hereditary cancer-predisposing syndrome. Last evaluated: 2023-12-27. Review status: criteria provided, single submitter. Criteria: Ambry Variant Classification Scheme 2023. Collection method: clinical testing. Allele origin: germline. Not counted in ClinVar's aggregate classification.
Comment: The c.1255delG pathogenic mutation (also known as p.V419*), located in coding exon 9 of the BRCA1 gene, results from a deletion of one nucleotide at nucleotide position 1255. This changes the amino acid from a valine to a stop codon within coding exon 9. This mutation has been previously described in 1/238 women considered to be at high risk for hereditary breast and ovarian cancer based on their personal and/or family history (Frank TS et al. J. Clin. Oncol. 1998 Jul;16:2417-25). In addition to the clinical data presented in the literature, this alteration is expected to result in loss of function by premature protein truncation or nonsense-mediated mRNA decay. As such, this alteration is interpreted as a disease-causing mutation.

Labcorp Genetics (formerly Invitae), Labcorp
Classification: Pathogenic for Hereditary breast ovarian cancer syndrome. Last evaluated: 2017-10-01. Review status: criteria provided, single submitter. Criteria: Invitae Variant Classification Sherloc (09022015). Collection method: clinical testing. Allele origin: germline. Not counted in ClinVar's aggregate classification.
Comment: For these reasons, this variant has been classified as Pathogenic. Loss-of-function variants in BRCA1 are known to be pathogenic (PMID: 20104584). This variant has been reported in an individual affected with breast cancer (PMID: 9667259). This variant is also known as c.1374delG in the literature. ClinVar contains an entry for this variant (Variation ID: 54177). This variant is not present in population databases (ExAC no frequency). This sequence change creates a premature translational stop signal (p.Val419*) in the BRCA1 gene. It is expected to result in an absent or disrupted protein product.

Consortium of Investigators of Modifiers of BRCA1/2 (CIMBA), c/o University of Cambridge
Classification: Pathogenic for Breast-ovarian cancer, familial, susceptibility to, 1. Last evaluated: 2015-10-02. Review status: criteria provided, single submitter. Criteria: CIMBA Mutation Classification guidelines May 2016. Collection method: clinical testing. Allele origin: germline. Not counted in ClinVar's aggregate classification.

Genetic Services Laboratory, University of Chicago
Classification: Pathogenic for Breast-ovarian cancer, familial, 1. Last evaluated: 2014-11-06. Review status: criteria provided, single submitter. Criteria: ACMG Guidelines, 2015. Collection method: clinical testing. Allele origin: germline. Affected: yes. Not counted in ClinVar's aggregate classification.

Research Molecular Genetics Laboratory, Women's College Hospital, University of Toronto
Classification: Pathogenic for Hereditary breast ovarian cancer syndrome. Last evaluated: 2014-01-31. Review status: no assertion criteria provided. Collection method: research. Allele origin: germline. Affected: yes. Study: The Canadian Open Genetics Repository (COGR). Not counted in ClinVar's aggregate classification.

Breast Cancer Information Core (BIC) (BRCA1)
Classification: Pathogenic for Breast-ovarian cancer, familial 1. Last evaluated: 1997-11-14. Review status: no assertion criteria provided. Collection method: clinical testing. Allele origin: germline. Affected: yes. Observed: 1 variant allele. Not counted in ClinVar's aggregate classification.

Literature cited by the submitters: PubMed 9667259 (cited by Ambry Genetics and Labcorp Genetics (formerly Invitae), Labcorp); PubMed 20104584 (cited by Labcorp Genetics (formerly Invitae), Labcorp).